The following is an entry in ClinVar:

NM_003072.5(SMARCA4):c.4424+15G>A

Gene: SMARCA4 (SWI/SNF related BAF chromatin remodeling complex subunit ATPase 4; plus strand). Cytogenetic location: 19p13.2.
Variant type: single nucleotide variant.
Coding change: c.4424+15G>A on transcript NM_003072.5 (MANE Select); 15 bases into the intron after coding-DNA position 4424, G replaced by A.
Molecular consequence: intron variant.
Genome position (GRCh38, 1-based): chr19:11,041,575, G>A. VCF-style: chr19-11041575-G-A. GRCh37 (hg19) VCF-style: chr19-11152251-G-A.
Other names: c.4424+15G>A (NM_001128844.3); c.4520+15G>A (NM_001128849.3, NM_001387283.1, NM_001128849.1); c.4325+15G>A (NM_001128847.4, NM_001374457.1, NM_001128848.2); c.4334+15G>A (NM_001128845.2, NM_001128846.2).
Identifiers: ClinVar variation 1558494 (VCV001558494.10), dbSNP rs191570676, ClinGen allele CA9204719.
Genomic context (GRCh38, chr19:11,041,575, plus strand): 5'-AGAAGATGAAGAAGATTGTGGATGCCGTGATCAAGTACAAGGACAGGTAAGCGAGGAGGC[G>A]GGGAGGGCGGGGGCTGTAGGGGTCCCCGTGGGAGCAGGCCTGGCATCTGCACTCTGACTC-3'

ClinVar aggregate classification (germline): Conflicting classifications of pathogenicity. Review status: criteria provided, conflicting classifications (1 of 4 stars). 3 submissions from 3 submitters: Uncertain significance (1); Likely benign (2). Last evaluated 2026-01-31.

Conditions:
Rhabdoid tumor predisposition syndrome 2 (RTPS2). Identifiers: Orphanet 231108, Orphanet 69077, MedGen C2750074, MONDO:0013224, OMIM 613325.
Hereditary cancer-predisposing syndrome. Also called: Neoplastic Syndromes, Hereditary; Hereditary neoplastic syndrome; Tumor predisposition; Hereditary Cancer Syndrome. Identifiers: Orphanet 140162, MedGen C0027672, MeSH D009386, MONDO:0015356.

Allele frequency attached by ClinVar (database versions not stated): gnomAD 0.00006 and 0.00007; TOPMed 0.00006; gnomAD exomes 0.00008 and 0.00010; ExAC 0.00010; 1000 Genomes Project 30x 0.00031; 1000 Genomes Project 0.00040.
gnomAD v4.1: 157 of 1,609,750 alleles (0.0098%); highest among the groups gnomAD compares: Non-Finnish European, 0.012%; no homozygotes.

Submissions (3):

Labcorp Genetics (formerly Invitae), Labcorp
Classification: Likely benign for Rhabdoid tumor predisposition syndrome 2. Last evaluated: 2026-01-31. Review status: criteria provided, single submitter. Criteria: Invitae Variant Classification Sherloc (09022015). Collection method: clinical testing. Allele origin: germline.

Blueprint Genetics
Classification: Likely benign. Last evaluated: 2024-10-30. Review status: criteria provided, single submitter. Criteria: ACMG Guidelines, 2015. Collection method: clinical testing. Allele origin: germline.

Ambry Genetics
Classification: Uncertain significance for Hereditary cancer-predisposing syndrome. Last evaluated: 2015-11-17. Review status: criteria provided, single submitter. Criteria: Ambry Variant Classification Scheme 2023. Collection method: clinical testing. Allele origin: germline.
Comment: The c.4520+15G>A intronic alteration consists of a G to A substitution 5 nucleotides after coding exon 30 in the SMARCA4 gene. Based on insufficient or conflicting evidence, the clinical significance of this alteration remains unclear.